The following is an entry in ClinVar:

NM_001009944.3(PKD1):c.6935C>T (p.Ala2312Val)

Gene: PKD1 (polycystin 1, transient receptor potential channel interacting; minus strand). Cytogenetic location: 16p13.3.
Variant type: single nucleotide variant.
Coding change: c.6935C>T on transcript NM_001009944.3 (MANE Select); coding-DNA position 6935, C replaced by T.
Protein change: p.Ala2312Val; replaces alanine 2312 with valine.
Molecular consequence: missense variant.
Genome position (GRCh38, 1-based): chr16:2,108,013, G>A on the plus strand (C>T on the coding strand, the complement: PKD1 is on the minus strand). VCF-style: chr16-2108013-G-A. GRCh37 (hg19) VCF-style: chr16-2158014-G-A.
Other names: c.6935C>T, p.Ala2312Val (NM_000296.4); short protein forms A2312V.
Identifiers: ClinVar variation 3039277 (VCV003039277.3), dbSNP rs533284364, ClinGen allele CA7831366.

ClinVar aggregate classification (germline): Likely benign. Review status: criteria provided, single submitter (1 of 4 stars). 2 submissions from 2 submitters: Likely benign (1). 1 of the submissions does not count toward it. Last evaluated 2022-05-20.

Conditions:
Polycystic kidney disease, adult type (PKD1). Also called: POLYCYSTIC KIDNEY DISEASE 1 WITH OR WITHOUT POLYCYSTIC LIVER DISEASE; POLYCYSTIC KIDNEY DISEASE, ADULT, TYPE I; Polycystic Kidney Disease 1, Autosomal Dominant; Polycystic kidney disease 1; Polycystic kidney disease 1, severe; Polycystic Kidney, Autosomal Dominant. Identifiers: MedGen C3149841, MONDO:0008263, OMIM 173900.
PKD1-related disorder. Also called: PKD1-related condition.

Allele frequency attached by ClinVar (database versions not stated): gnomAD 0.00009; ExAC 0.00020; 1000 Genomes Project 30x 0.00047; 1000 Genomes Project 0.00060.
gnomAD v4.1: 190 of 1,549,038 alleles (0.012%); highest among the groups gnomAD compares: East Asian, 0.31%; no homozygotes.

Submissions (2):

Department of Pathology and Laboratory Medicine, Sinai Health System
Classification: Likely benign for Polycystic kidney disease, adult type. Last evaluated: 2022-05-20. Review status: criteria provided, single submitter. Criteria: ACMG Guidelines, 2015. Collection method: clinical testing. Allele origin: germline. Affected: yes.

PreventionGenetics, part of Exact Sciences
Classification: Likely benign for PKD1-related condition. Last evaluated: 2019-06-22. Review status: no assertion criteria provided. Collection method: clinical testing. Allele origin: germline. Not counted in ClinVar's aggregate classification.
Comment: This variant is classified as likely benign based on ACMG/AMP sequence variant interpretation guidelines (Richards et al. 2015 PMID: 25741868, with internal and published modifications).

Literature cited by the submitters: PubMed 31056860 (cited by Department of Pathology and Laboratory Medicine, Sinai Health System).